The following is an entry in ClinVar:

ClinVar aggregate classification (germline): Benign/Likely benign. Review status: criteria provided, multiple submitters, no conflicts (2 of 4 stars). 6 submissions from 6 submitters: Benign (4); Likely benign (1). 1 of the submissions does not count toward it. Last evaluated 2026-07-01.

Conditions:
Schinzel-Giedion syndrome (SGS). Identifiers: Orphanet 798, MedGen C0265227, MONDO:0010010, OMIM 269150.
Intellectual developmental disorder, autosomal dominant 29. Also called: SETBP1 Haploinsufficiency Disorder; Intellectual disability, autosomal dominant 29. Identifiers: Orphanet 436151, MedGen C4015141, MONDO:0014482, OMIM 616078.

Allele frequency attached by ClinVar (database versions not stated): TOPMed 0.00007; ESP Exome Variant Server 0.00008; gnomAD exomes 0.00114; 1000 Genomes Project 30x 0.00234; gnomAD 0.00004 and 0.00032; ExAC 0.00124; 1000 Genomes Project 0.00240.
gnomAD v4.1: 884 of 1,614,052 alleles (0.055%); highest among the groups gnomAD compares: South Asian, 0.86%; 19 homozygotes.

Submissions (6):

CeGaT Center for Human Genetics Tuebingen
Classification: Benign. Last evaluated: 2026-07-01. Review status: criteria provided, single submitter. Criteria: CeGaT Center For Human Genetics Tuebingen Variant Classification Criteria Version 2. Collection method: clinical testing. Allele origin: germline. Affected: yes. Observed: 2 variant alleles.
Comment: SETBP1: BP4, BS1, BS2

Labcorp Genetics (formerly Invitae), Labcorp
Classification: Benign. Last evaluated: 2026-01-29. Review status: criteria provided, single submitter. Criteria: Invitae Variant Classification Sherloc (09022015). Collection method: clinical testing. Allele origin: germline.

KCCC/NGS Laboratory, Kuwait Cancer Control Center
Classification: Likely benign for Schinzel-Giedion syndrome. Last evaluated: 2023-07-07. Review status: criteria provided, single submitter. Criteria: ACMG Guidelines, 2015. Collection method: clinical testing. Allele origin: germline. Affected: yes.

Department of Pathology and Laboratory Medicine, Sinai Health System
Classification: Benign for Schinzel-Giedion syndrome; Intellectual developmental disorder, autosomal dominant 29. Last evaluated: 2020-09-01. Review status: criteria provided, single submitter. Criteria: ACMG Guidelines, 2015. Collection method: research. Allele origin: germline.

GeneDx
Classification: Benign. Last evaluated: 2020-03-19. Review status: criteria provided, single submitter. Criteria: GeneDx Variant Classification Process June 2021. Collection method: clinical testing. Allele origin: germline. Affected: yes.
Comment: This variant is associated with the following publications: (PMID: 31073075)

Genetic Services Laboratory, University of Chicago
Classification: Benign. Last evaluated: 2022-08-01. Review status: no assertion criteria provided. Collection method: clinical testing. Allele origin: germline. Affected: no. Not counted in ClinVar's aggregate classification.

NM_015559.3(SETBP1):c.1490C>T (p.Pro497Leu)

Gene: SETBP1 (SET binding protein 1; plus strand). Cytogenetic location: 18q12.3.
Variant type: single nucleotide variant.
Coding change: c.1490C>T on transcript NM_015559.3 (MANE Select); coding-DNA position 1490, C replaced by T.
Protein change: p.Pro497Leu; replaces proline 497 with leucine.
Molecular consequence: missense variant.
Genome position (GRCh38, 1-based): chr18:44,950,830, C>T. VCF-style: chr18-44950830-C-T. GRCh37 (hg19) VCF-style: chr18-42530795-C-T.
Other names: c.1490C>T, p.Pro497Leu (LRG_1150t1); short protein forms P497L.
Identifiers: ClinVar variation 1250265 (VCV001250265.25), dbSNP rs145133915, ClinGen allele CA8945625.
Genomic context (GRCh38, chr18:44,950,830, plus strand): 5'-CAGTTGGCCTTGAAACTGGTGGAAATGCTGAGAAAGTTATCCCAGGAGGTGTGTCTAAGC[C>T]GCGGAAGCCACCCATGGTCATGACACCTCCAACGTGCACAGATCACTCTCCATCCAGAAA-3'
Protein context (NP_056374.2, residues 487-507): EKVIPGGVSK[Pro497Leu]RKPPMVMTPP